The following is an entry in ClinVar:

ClinVar aggregate classification (germline): Likely benign. Review status: criteria provided, multiple submitters, no conflicts (2 of 4 stars). 3 submissions from 3 submitters: Likely benign (2). 1 of the submissions does not count toward it. Last evaluated 2026-01-12.

Conditions:
SLC25A12-related disorder. Also called: SLC25A12-related condition.

Allele frequency attached by ClinVar (database versions not stated): ExAC 0.00013; gnomAD exomes 0.00014; 1000 Genomes Project 30x 0.00016; 1000 Genomes Project 0.00020; ESP Exome Variant Server 0.00023; TOPMed 0.00026; gnomAD 0.00034 and 0.00038.
gnomAD v4.1: 178 of 1,614,032 alleles (0.011%); highest among the groups gnomAD compares: African/African-American, 0.14%; 1 homozygote.

Submissions (4):

Labcorp Genetics (formerly Invitae), Labcorp
Classification: Likely benign. Last evaluated: 2026-01-12. Review status: criteria provided, single submitter. Criteria: Invitae Variant Classification Sherloc (09022015). Collection method: clinical testing. Allele origin: germline.

Blueprint Genetics
Classification: Likely benign. Last evaluated: 2024-03-09. Review status: criteria provided, single submitter. Criteria: ACMG Guidelines, 2015. Collection method: clinical testing. Allele origin: germline.

PreventionGenetics, part of Exact Sciences
Classification: Likely benign for SLC25A12-related condition. Last evaluated: 2019-09-05. Review status: no assertion criteria provided. Collection method: clinical testing. Allele origin: germline. Not counted in ClinVar's aggregate classification.
Comment: This variant is classified as likely benign based on ACMG/AMP sequence variant interpretation guidelines (Richards et al. 2015 PMID: 25741868, with internal and published modifications).

Dr. Peter K. Rogan Lab, Western University
No classification provided (evidence only). Condition: Uterine carcinosarcoma. Review status: no classification provided. Collection method: in vitro. Allele origin: not applicable. Functional consequence: skipped exon, retained intron. Not counted in ClinVar's aggregate classification.

NM_003705.5(SLC25A12):c.1756C>A (p.Arg586=)

Gene: SLC25A12 (solute carrier family 25 member 12; minus strand). Cytogenetic location: 2q31.1.
Variant type: single nucleotide variant.
Coding change: c.1756C>A on transcript NM_003705.5 (MANE Select); coding-DNA position 1756, C replaced by A.
Protein change: p.Arg586=; no amino-acid change (arginine 586 retained).
Molecular consequence: synonymous variant. On other transcripts: non-coding transcript variant (1).
Genome position (GRCh38, 1-based): chr2:171,787,650, G>T on the plus strand (C>A on the coding strand, the complement: SLC25A12 is on the minus strand). VCF-style: chr2-171787650-G-T. GRCh37 (hg19) VCF-style: chr2-172644160-G-T.
Identifiers: ClinVar variation 697046 (VCV000697046.15), dbSNP rs370973358, ClinGen allele CA1966032.